The following is an entry in ClinVar:

NM_032427.4(MAML2):c.521G>A (p.Gly174Asp)

Gene: MAML2 (mastermind like transcriptional coactivator 2; minus strand). Cytogenetic location: 11q21.
Variant type: single nucleotide variant.
Coding change: c.521G>A on transcript NM_032427.4 (MANE Select); coding-DNA position 521, G replaced by A.
Protein change: p.Gly174Asp; replaces glycine 174 with aspartic acid.
Molecular consequence: missense variant.
Genome position (GRCh38, 1-based): chr11:96,093,510, C>T on the plus strand (G>A on the coding strand, the complement: MAML2 is on the minus strand). VCF-style: chr11-96093510-C-T. GRCh37 (hg19) VCF-style: chr11-95826674-C-T.
Other names: short protein forms G174D.
Identifiers: ClinVar variation 3257616 (VCV003257616.17).

ClinVar aggregate classification (germline): Benign (1 of 4 stars; one submission).

gnomAD v4.1: 19,128 of 1,592,928 alleles (1.2%); highest among the groups gnomAD compares: Non-Finnish European, 1.3%; 127 homozygotes.

Submission:

CeGaT Center for Human Genetics Tuebingen
Classification: Benign. Last evaluated: 2024-07-01. Review status: criteria provided, single submitter. Criteria: CeGaT Center For Human Genetics Tuebingen Variant Classification Criteria Version 2. Collection method: clinical testing. Allele origin: germline. Affected: yes. Observed: 1 variant allele.
Comment: MAML2: BS1, BS2